The following is an entry in ClinVar:

NM_001130009.3(GEN1):c.2359C>T (p.Arg787Trp)

Gene: GEN1 (GEN1 structure-specific endonuclease; plus strand). Cytogenetic location: 2p24.2.
Variant type: single nucleotide variant.
Coding change: c.2359C>T on transcript NM_001130009.3 (MANE Select); coding-DNA position 2359, C replaced by T.
Protein change: p.Arg787Trp; replaces arginine 787 with tryptophan.
Molecular consequence: missense variant.
Genome position (GRCh38, 1-based): chr2:17,781,571, C>T. VCF-style: chr2-17781571-C-T. GRCh37 (hg19) VCF-style: chr2-17962838-C-T.
Other names: c.2359C>T, p.Arg787Trp (NM_182625.5); short protein forms R787W.
Identifiers: ClinVar variation 3519711 (VCV003519711.4).

ClinVar aggregate classification (germline): Uncertain significance. Review status: criteria provided, multiple submitters, no conflicts (2 of 4 stars). 2 submissions from 2 submitters: Uncertain significance (2). Last evaluated 2025-10-02.

gnomAD v4.1: 12 of 1,613,766 alleles (0.00074%); highest among the groups gnomAD compares: African/African-American, 0.011%; no homozygotes.

Submissions (2):

Ambry Genetics
Classification: Uncertain significance. Last evaluated: 2025-10-02. Review status: criteria provided, single submitter. Criteria: Ambry Variant Classification Scheme 2023. Collection method: clinical testing. Allele origin: germline.

Labcorp Genetics (formerly Invitae), Labcorp
Classification: Uncertain significance. Last evaluated: 2024-02-22. Review status: criteria provided, single submitter. Criteria: Invitae Variant Classification Sherloc (09022015). Collection method: clinical testing. Allele origin: germline.
Comment: This sequence change replaces arginine, which is basic and polar, with tryptophan, which is neutral and slightly polar, at codon 787 of the GEN1 protein (p.Arg787Trp). This variant is present in population databases (rs377259898, gnomAD 0.01%). This variant has not been reported in the literature in individuals affected with GEN1-related conditions. An algorithm developed to predict the effect of missense changes on protein structure and function (PolyPhen-2) suggests that this variant is likely to be tolerated. In summary, the available evidence is currently insufficient to determine the role of this variant in disease. Therefore, it has been classified as a Variant of Uncertain Significance.